The following is an entry in ClinVar:

NM_004415.4(DSP):c.531C>T (p.Gly177=)

Gene: DSP (desmoplakin; plus strand). Cytogenetic location: 6p24.3.
Variant type: single nucleotide variant.
Coding change: c.531C>T on transcript NM_004415.4 (MANE Select); coding-DNA position 531, C replaced by T.
Protein change: p.Gly177=; no amino-acid change (glycine 177 retained).
Molecular consequence: synonymous variant.
Genome position (GRCh38, 1-based): chr6:7,559,334, C>T. VCF-style: chr6-7559334-C-T. GRCh37 (hg19) VCF-style: chr6-7559567-C-T.
Other names: c.531C>T, p.Gly177= (NM_001008844.3, NM_001319034.2, NM_001406591.1).
Identifiers: ClinVar variation 1746811 (VCV001746811.7), dbSNP rs138865799, ClinGen allele CA448513904.

ClinVar aggregate classification (germline): Likely benign. Review status: criteria provided, multiple submitters, no conflicts (2 of 4 stars). 4 submissions from 4 submitters: Likely benign (4). Last evaluated 2025-08-15.

Conditions:
Cardiomyopathy (CMYO). Also called: Cardiomyopathies. Identifiers: Orphanet 167848, MedGen C0878544, MONDO:0004994, HP:0001638. Inheritance: Various modes of inheritance.
Arrhythmogenic cardiomyopathy with wooly hair and keratoderma. Also called: PALMOPLANTAR KERATODERMA WITH LEFT VENTRICULAR CARDIOMYOPATHY AND WOOLLY HAIR; Carvajal syndrome; Dilated cardiomyopathy with woolly hair and keratoderma; Arrhythmogenic cardiomyopathy with woolly hair and keratoderma. Identifiers: Orphanet 65282, MedGen C1854063, MONDO:0011581, OMIM 605676.
Arrhythmogenic right ventricular dysplasia 8 (ARVD8). Also called: Arrhythmogenic Right Ventricular Dysplasia/Cardiomyopathy 8; ARRHYTHMOGENIC RIGHT VENTRICULAR DYSPLASIA, FAMILIAL, 8; ARRHYTHMOGENIC RIGHT VENTRICULAR CARDIOMYOPATHY 8. Identifiers: MedGen C1843896, MONDO:0011831, OMIM 607450.
Cardiovascular phenotype. Identifiers: MedGen CN230736.

gnomAD v4.1: 4 of 1,613,724 alleles (0.00025%); highest among the groups gnomAD compares: Admixed American, 0.0033%; no homozygotes.

Submissions (4):

Labcorp Genetics (formerly Invitae), Labcorp
Classification: Likely benign for Arrhythmogenic cardiomyopathy with wooly hair and keratoderma; Arrhythmogenic right ventricular dysplasia 8. Last evaluated: 2025-08-15. Review status: criteria provided, single submitter. Criteria: Invitae Variant Classification Sherloc (09022015). Collection method: clinical testing. Allele origin: germline.

All of Us Research Program, National Institutes of Health
Classification: Likely benign for Arrhythmogenic cardiomyopathy with wooly hair and keratoderma. Last evaluated: 2024-05-30. Review status: criteria provided, single submitter. Criteria: ACMG Guidelines, 2015. Collection method: clinical testing. Allele origin: germline. Inheritance: Autosomal dominant inheritance. Observed: 3 variant alleles, 3 heterozygotes.
Comment: This study involves interpretation of variants in research participants for the purpose of population health screening. Participant phenotype was not available at the time of variant classification. Additional details can be found in publication PMID: 35346344, PMCID: PMC8962531

Color Diagnostics, LLC DBA Color Health
Classification: Likely benign for Cardiomyopathy. Last evaluated: 2021-07-14. Review status: criteria provided, single submitter. Criteria: ACMG Guidelines, 2015. Collection method: clinical testing. Allele origin: germline.

Ambry Genetics
Classification: Likely benign for Cardiovascular phenotype. Last evaluated: 2020-06-02. Review status: criteria provided, single submitter. Criteria: Ambry Variant Classification Scheme 2023. Collection method: clinical testing. Allele origin: germline.